The following is an entry in ClinVar:

NM_032608.7(MYO18B):c.6401C>T (p.Ser2134Phe)

Gene: MYO18B (myosin XVIIIB; plus strand). Cytogenetic location: 22q12.1.
Variant type: single nucleotide variant.
Coding change: c.6401C>T on transcript NM_032608.7 (MANE Select); coding-DNA position 6401, C replaced by T.
Protein change: p.Ser2134Phe; replaces serine 2134 with phenylalanine.
Molecular consequence: missense variant.
Genome position (GRCh38, 1-based): chr22:26,004,786, C>T. VCF-style: chr22-26004786-C-T. GRCh37 (hg19) VCF-style: chr22-26400752-C-T.
Other names: c.6404C>T, p.Ser2135Phe (NM_001318245.2); short protein forms S2134F, S2135F.
Identifiers: ClinVar variation 1955604 (VCV001955604.5), dbSNP rs761465245, ClinGen allele CA411007148.

ClinVar aggregate classification (germline): Uncertain significance (1 of 4 stars; one submission).

gnomAD v4.1: 1 of 1,613,932 alleles (0.000062%); highest among the groups gnomAD compares: South Asian, 0.0011%; no homozygotes.

Submission:

Labcorp Genetics (formerly Invitae), Labcorp
Classification: Uncertain significance. Last evaluated: 2026-01-04. Review status: criteria provided, single submitter. Criteria: Invitae Variant Classification Sherloc (09022015). Collection method: clinical testing. Allele origin: germline.
Comment: This sequence change replaces serine, which is neutral and polar, with phenylalanine, which is neutral and non-polar, at codon 2134 of the MYO18B protein (p.Ser2134Phe). This variant is not present in population databases (gnomAD no frequency). This variant has not been reported in the literature in individuals affected with MYO18B-related conditions. ClinVar contains an entry for this variant (Variation ID: 1955604). An algorithm developed to predict the effect of missense changes on protein structure and function (PolyPhen-2) suggests that this variant is likely to be disruptive. In summary, the available evidence is currently insufficient to determine the role of this variant in disease. Therefore, it has been classified as a Variant of Uncertain Significance.